The following is an entry in ClinVar:

NM_201525.4(ADGRG1):c.1933+2del

Gene: ADGRG1 (adhesion G protein-coupled receptor G1; plus strand). Cytogenetic location: 16q21.
Variant type: Deletion.
Coding change: c.1933+2del on transcript NM_201525.4 (MANE Select); the canonical splice donor site of the intron after coding-DNA position 1933, one base deleted (T; older notation c.1933+2delT).
Molecular consequence: splice donor variant.
Genome position (GRCh38, 1-based): chr16:57,661,967, T deleted. VCF-style (leftmost placement, unchanged base first): chr16-57661966-GT-G. GRCh37 (hg19) VCF-style: chr16-57695878-GT-G.
Other names: c.1933+2del (NM_001370440.1, NM_001370436.1, NM_001370438.1 and 7 more transcripts); c.1951+2del (NM_001370428.1, NM_001370430.1, NM_001370431.1 and 4 more transcripts); c.1441+2del (NM_001290142.2); c.1408+2del (NM_001370451.1, NM_001370453.1, NM_001370454.1 and 1 more transcripts); c.1426+2del (NM_001290143.2); c.1948+2del (NM_001370434.1, NM_001370433.1, NM_001145773.3); c.1777+2del (NM_001370442.1); c.1930+2del (NM_001370441.1); and 1 more.
Identifiers: ClinVar variation 1443377 (VCV001443377.7), dbSNP rs2148610498, ClinGen allele CA2573152382.

ClinVar aggregate classification (germline): Pathogenic/Likely pathogenic. Review status: criteria provided, multiple submitters, no conflicts (2 of 4 stars). 2 submissions from 2 submitters: Pathogenic (1); Likely pathogenic (1). Last evaluated 2025-01-02.

Conditions:
Bilateral frontoparietal polymicrogyria. Also called: CORTICAL DYSPLASIA, COMPLEX, WITH OTHER BRAIN MALFORMATIONS 14A (BILATERAL FRONTOPARIETAL); CEREBELLAR ATAXIA WITH NEURONAL MIGRATION DEFECT. Identifiers: Orphanet 101070, MedGen C1847352, MONDO:0011738, OMIM 606854.

Submissions (2):

Natera, Inc.
Classification: Likely pathogenic for Bilateral frontoparietal polymicrogyria. Last evaluated: 2025-01-02. Review status: criteria provided, single submitter. Criteria: Natera Variant Classification Schema (03/2026). Collection method: clinical testing. Allele origin: germline.
Comment: The c.1951+2delT variant in ADGRG1 is a canonical splice donor site variant predicted to affect pre-mRNA splicing, which may result in an abnormal transcript and altered protein product. This variant is expected to result in nonsense mediated decay, truncation, or a dysfunctional protein product. This variant is rare in the general population with a frequency below the threshold expected for the associated phenotype(s). Given the available evidence, this variant is classified as Likely Pathogenic.

Labcorp Genetics (formerly Invitae), Labcorp
Classification: Pathogenic. Last evaluated: 2021-09-08. Review status: criteria provided, single submitter. Criteria: Invitae Variant Classification Sherloc (09022015). Collection method: clinical testing. Allele origin: germline.
Comment: This sequence change affects a splice site in intron 14 of the ADGRG1 gene. While this variant is not anticipated to result in nonsense mediated decay, it likely alters RNA splicing and results in a disrupted protein product. This variant is not present in population databases (ExAC no frequency). This variant has not been reported in the literature in individuals affected with ADGRG1-related conditions. Variants that disrupt the consensus splice site are a relatively common cause of aberrant splicing (PMID: 17576681, 9536098). Algorithms developed to predict the effect of sequence changes on RNA splicing suggest that this variant may disrupt the consensus splice site. This variant disrupts a region of the ADGRG1 protein in which other variant(s) (p.Trp657*) have been determined to be pathogenic (PMID: 28097321). This suggests that this is a clinically significant region of the protein, and that variants that disrupt it are likely to be disease-causing. For these reasons, this variant has been classified as Pathogenic.

Literature cited by the submitters: PubMed 17576681 (cited by Labcorp Genetics (formerly Invitae), Labcorp); PubMed 9536098 (cited by Labcorp Genetics (formerly Invitae), Labcorp); PubMed 28097321 (cited by Labcorp Genetics (formerly Invitae), Labcorp).